The following is an entry in ClinVar:

NM_145038.5(DRC1):c.1420G>A (p.Ala474Thr)

Gene: DRC1 (dynein regulatory complex subunit 1; plus strand). Cytogenetic location: 2p23.3.
Variant type: single nucleotide variant.
Coding change: c.1420G>A on transcript NM_145038.5 (MANE Select); coding-DNA position 1420, G replaced by A.
Protein change: p.Ala474Thr; replaces alanine 474 with threonine.
Molecular consequence: missense variant.
Genome position (GRCh38, 1-based): chr2:26,448,714, G>A. VCF-style: chr2-26448714-G-A. GRCh37 (hg19) VCF-style: chr2-26671582-G-A.
Other names: short protein forms A474T.
Identifiers: ClinVar variation 663118 (VCV000663118.7), dbSNP rs145706376, ClinGen allele CA1562256.

ClinVar aggregate classification (germline): Conflicting classifications of pathogenicity. Review status: criteria provided, conflicting classifications (1 of 4 stars). 2 submissions from 2 submitters: Uncertain significance (1); Likely benign (1). Last evaluated 2024-09-24.

Conditions:
Primary ciliary dyskinesia. Also called: Ciliary dyskinesia. Identifiers: Orphanet 244, MedGen C0008780, MONDO:0016575, HP:0012265.

Allele frequency attached by ClinVar (database versions not stated): gnomAD exomes 0.00004 and 0.00010; ExAC 0.00015; 1000 Genomes Project 30x 0.00031; gnomAD 0.00034 and 0.00036; TOPMed 0.00036; 1000 Genomes Project 0.00040; ESP Exome Variant Server 0.00062.
gnomAD v4.1: 114 of 1,614,184 alleles (0.0071%); highest among the groups gnomAD compares: African/African-American, 0.12%; no homozygotes.

Submissions (2):

Blueprint Genetics
Classification: Likely benign. Last evaluated: 2024-09-24. Review status: criteria provided, single submitter. Criteria: ACMG Guidelines, 2015. Collection method: clinical testing. Allele origin: germline.

Labcorp Genetics (formerly Invitae), Labcorp
Classification: Uncertain significance for Primary ciliary dyskinesia. Last evaluated: 2022-05-06. Review status: criteria provided, single submitter. Criteria: Invitae Variant Classification Sherloc (09022015). Collection method: clinical testing. Allele origin: germline.
Comment: This sequence change replaces alanine, which is neutral and non-polar, with threonine, which is neutral and polar, at codon 474 of the DRC1 protein (p.Ala474Thr). This variant is present in population databases (rs145706376, gnomAD 0.1%). This variant has not been reported in the literature in individuals affected with DRC1-related conditions. ClinVar contains an entry for this variant (Variation ID: 663118). Algorithms developed to predict the effect of missense changes on protein structure and function output the following: SIFT: "Tolerated"; PolyPhen-2: "Benign"; Align-GVGD: "Class C0". The threonine amino acid residue is found in multiple mammalian species, which suggests that this missense change does not adversely affect protein function. In summary, the available evidence is currently insufficient to determine the role of this variant in disease. Therefore, it has been classified as a Variant of Uncertain Significance.